The following is an entry in ClinVar:

ClinVar aggregate classification (germline): Conflicting classifications of pathogenicity. Review status: criteria provided, conflicting classifications (1 of 4 stars). 5 submissions from 5 submitters: Uncertain significance (1); Benign (1); Likely benign (3). Last evaluated 2025-12-17.

Conditions:
Hereditary diffuse gastric adenocarcinoma (HDGC). Also called: DIFFUSE GASTRIC AND LOBULAR BREAST CANCER SYNDROME. Identifiers: Orphanet 26106, MedGen C1708349, MONDO:0007648, OMIM 137215.
Hereditary cancer-predisposing syndrome. Also called: Neoplastic Syndromes, Hereditary; Tumor predisposition; Hereditary Cancer Syndrome; Hereditary neoplastic syndrome. Identifiers: Orphanet 140162, MedGen C0027672, MeSH D009386, MONDO:0015356.

Allele frequency attached by ClinVar (database versions not stated): gnomAD below 0.00001 and 0.00001; ExAC 0.00004; gnomAD exomes 0.00004 and 0.00006.
gnomAD v4.1: 60 of 1,613,540 alleles (0.0037%); highest among the groups gnomAD compares: South Asian, 0.063%; 1 homozygote.

Submissions (5):

Labcorp Genetics (formerly Invitae), Labcorp
Classification: Likely benign. Last evaluated: 2025-12-17. Review status: criteria provided, single submitter. Criteria: Invitae Variant Classification Sherloc (09022015). Collection method: clinical testing. Allele origin: germline.

Myriad Genetics, Inc.
Classification: Benign for Hereditary diffuse gastric adenocarcinoma. Last evaluated: 2024-10-11. Review status: criteria provided, single submitter. Criteria: Myriad Autosomal Dominant, Autosomal Recessive and X-Linked Classification Criteria (2023). Collection method: clinical testing. Allele origin: unknown.
Comment: This variant is considered benign. This variant is a silent/synonymous amino acid change and it is not expected to impact splicing.

Blueprint Genetics
Classification: Likely benign. Last evaluated: 2024-06-10. Review status: criteria provided, single submitter. Criteria: ACMG Guidelines, 2015. Collection method: clinical testing. Allele origin: germline.

GeneDx
Classification: Uncertain significance. Last evaluated: 2023-11-30. Review status: criteria provided, single submitter. Criteria: GeneDx Variant Classification Process June 2021. Collection method: clinical testing. Allele origin: germline. Affected: yes.
Comment: In silico analysis supports that this variant does not alter splicing; Has not been previously published as pathogenic or benign to our knowledge

Ambry Genetics
Classification: Likely benign for Hereditary cancer-predisposing syndrome. Last evaluated: 2020-08-06. Review status: criteria provided, single submitter. Criteria: Ambry Variant Classification Scheme 2023. Collection method: clinical testing. Allele origin: germline.

NM_001903.5(CTNNA1):c.1311C>G (p.Ala437=)

Gene: CTNNA1 (catenin alpha 1; plus strand). Cytogenetic location: 5q31.2.
Variant type: single nucleotide variant.
Coding change: c.1311C>G on transcript NM_001903.5 (MANE Select); coding-DNA position 1311, C replaced by G.
Protein change: p.Ala437=; no amino-acid change (alanine 437 retained).
Molecular consequence: synonymous variant. On other transcripts: 5 prime UTR variant (6), intron variant (3).
Genome position (GRCh38, 1-based): chr5:138,904,363, C>G. VCF-style: chr5-138904363-C-G. GRCh37 (hg19) VCF-style: chr5-138240052-C-G.
Other names: c.1311C>G, p.Ala437= (NM_001290307.3, NM_001323982.2, NM_001323983.1 and 2 more transcripts); c.1002C>G, p.Ala334= (NM_001290309.3); c.942C>G, p.Ala314= (NM_001290310.3); c.201C>G, p.Ala67= (NM_001290312.1, NM_001323987.1, NM_001323988.1 and 17 more transcripts); c.-197C>G (NM_001324006.1, NM_001324007.1, NM_001324008.1 and 1 more transcripts); c.-43C>G (NM_001324012.1, NM_001324013.1); c.1297-13379C>G (NM_001323986.2); c.187-13379C>G (NM_001324011.1); and 1 more.
Identifiers: ClinVar variation 717783 (VCV000717783.17), dbSNP rs777730458, ClinGen allele CA3431915.